The following is an entry in ClinVar:

NM_000064.4(C3):c.1294T>C (p.Ser432Pro)

Gene: C3 (complement C3; minus strand). Cytogenetic location: 19p13.3.
Variant type: single nucleotide variant.
Coding change: c.1294T>C on transcript NM_000064.4 (MANE Select); coding-DNA position 1294, T replaced by C.
Protein change: p.Ser432Pro; replaces serine 432 with proline.
Molecular consequence: missense variant.
Genome position (GRCh38, 1-based): chr19:6,711,172, A>G on the plus strand (T>C on the coding strand, the complement: C3 is on the minus strand). VCF-style: chr19-6711172-A-G. GRCh37 (hg19) VCF-style: chr19-6711183-A-G.
Other names: c.1294T>C (NM_000064.3); short protein forms S432P.
Identifiers: ClinVar variation 2192788 (VCV002192788.5), dbSNP rs146158711, ClinGen allele CA9129490.
Genomic context (GRCh38, chr19:6,711,172, plus strand): 5'-AGTTGCCCACGGTGCTGTAGGGCAGAGCCTGCATGGTCCTGGTAGCCTGCTCTGCCTCCG[A>G]GAGCTCCTGCTTCTTCGTGCGCACCTGGGTGGGGAAAGAGGGATGCCTGCTGGTCGCCGC-3'
Protein context (NP_000055.2, residues 422-442): ITVRTKKQEL[Ser432Pro]EAEQATRTMQ

ClinVar aggregate classification (germline): Uncertain significance. Review status: criteria provided, multiple submitters, no conflicts (2 of 4 stars). 2 submissions from 2 submitters: Uncertain significance (2). Last evaluated 2025-10-22.

Conditions:
C3-related disorder. Also called: C3-related condition.

Allele frequency attached by ClinVar (database versions not stated): ExAC 0.00002; gnomAD 0.00002; TOPMed 0.00002; ESP Exome Variant Server 0.00008.
gnomAD v4.1: 3 of 1,613,470 alleles (0.00019%); highest among the groups gnomAD compares: African/African-American, 0.004%; no homozygotes.

Submissions (2):

Labcorp Genetics (formerly Invitae), Labcorp
Classification: Uncertain significance. Last evaluated: 2025-10-22. Review status: criteria provided, single submitter. Criteria: Invitae Variant Classification Sherloc (09022015). Collection method: clinical testing. Allele origin: germline.
Comment: This sequence change replaces serine, which is neutral and polar, with proline, which is neutral and non-polar, at codon 432 of the C3 protein (p.Ser432Pro). This variant is present in population databases (rs146158711, gnomAD 0.01%). This variant has not been reported in the literature in individuals affected with C3-related conditions. ClinVar contains an entry for this variant (Variation ID: 2192788). An algorithm developed to predict the effect of missense changes on protein structure and function outputs the following: PolyPhen-2: "Benign". The proline amino acid residue is found in multiple mammalian species, which suggests that this missense change does not adversely affect protein function. In summary, the available evidence is currently insufficient to determine the role of this variant in disease. Therefore, it has been classified as a Variant of Uncertain Significance.

PreventionGenetics, part of Exact Sciences
Classification: Uncertain significance for C3-related condition. Last evaluated: 2025-01-29. Review status: criteria provided, single submitter. Criteria: ACMG Guidelines, 2015. Collection method: clinical testing. Allele origin: germline.
Comment: The C3 c.1294T>C variant is predicted to result in the amino acid substitution p.Ser432Pro. To our knowledge, this variant has not been reported in the literature. This variant is reported in 0.012% of alleles in individuals of African descent in gnomAD. At this time, the clinical significance of this variant is uncertain due to the absence of conclusive functional and genetic evidence.